The following is an entry in ClinVar:

ClinVar aggregate classification (germline): Likely pathogenic (1 of 4 stars; one submission).

Conditions:
Cystinosis. Also called: Cystine diathesis; Cystine storage disease; Cystinoses. Identifiers: Orphanet 213, MedGen C4316899, MONDO:0016239.

gnomAD v4.1: 3 of 1,613,954 alleles (0.00019%); highest among the groups gnomAD compares: Non-Finnish European, 0.00025%; no homozygotes.

Submission:

Natera, Inc.
Classification: Likely pathogenic for Cystinosis. Last evaluated: 2024-06-06. Review status: criteria provided, single submitter. Criteria: Natera Variant Classification Schema (03/2026). Collection method: clinical testing. Allele origin: germline.
Comment: The c.461+2T>G variant in CTNS is a canonical splice donor site variant predicted to affect pre-mRNA splicing, which may result in an abnormal transcript and altered protein product. This variant is expected to result in nonsense mediated decay, truncation, or a dysfunctional protein product. This variant is rare in the general population with a frequency below the threshold expected for the associated phenotype(s). Given the available evidence, this variant is classified as Likely Pathogenic.

NM_004937.3(CTNS):c.461+2T>G

Genes: CTNS (cystinosin, lysosomal cystine transporter; plus strand), CTNS-AS1 (CTNS antisense RNA 1; minus strand). Cytogenetic location: 17p13.2.
Variant type: single nucleotide variant.
Coding change: c.461+2T>G on transcript NM_004937.3 (MANE Select); the canonical splice donor site of the intron after coding-DNA position 461, T replaced by G.
Molecular consequence: splice donor variant.
Genome position (GRCh38, 1-based): chr17:3,655,354, T>G. VCF-style: chr17-3655354-T-G. GRCh37 (hg19) VCF-style: chr17-3558648-T-G.
Other names: c.461+2T>G (NM_001031681.3, NM_001374492.1); c.20+2T>G (NM_001374493.1, NM_001374495.1, NM_001374494.1 and 1 more transcripts).
Identifiers: ClinVar variation 4815398 (VCV004815398.1).
Genomic context (GRCh38, chr17:3,655,354, plus strand): 5'-TTTGTGGCCTGGTCCATCTCCTTCTACCCTCAGGTGATCATGAATTGGAGGCGGAAAAGG[T>G]AACCCCCTGGGCCGTATGTGCAGGCTCTCTCGGGGCCCCTAGGAGCAGGGCGTTCCAGCA-3'